The following is an entry in ClinVar:

NM_152594.3(SPRED1):c.788A>G (p.His263Arg)

Gene: SPRED1 (sprouty related EVH1 domain containing 1; plus strand). Cytogenetic location: 15q14.
Variant type: single nucleotide variant.
Coding change: c.788A>G on transcript NM_152594.3 (MANE Select); coding-DNA position 788, A replaced by G.
Protein change: p.His263Arg; replaces histidine 263 with arginine.
Molecular consequence: missense variant.
Genome position (GRCh38, 1-based): chr15:38,351,117, A>G. VCF-style: chr15-38351117-A-G. GRCh37 (hg19) VCF-style: chr15-38643318-A-G.
Other names: c.788A>G (NM_152594.2); short protein forms H263R.
Identifiers: ClinVar variation 2645156 (VCV002645156.24), dbSNP rs2542742604, ClinGen allele CA391933243.

ClinVar aggregate classification (germline): Uncertain significance. Review status: criteria provided, multiple submitters, no conflicts (2 of 4 stars). 2 submissions from 2 submitters: Uncertain significance (2). Last evaluated 2025-06-03.

Submissions (2):

GeneDx
Classification: Uncertain significance. Last evaluated: 2025-06-03. Review status: criteria provided, single submitter. Criteria: GeneDx Variant Classification Process June 2021. Collection method: clinical testing. Allele origin: germline. Affected: yes.
Comment: Not observed at significant frequency in large population cohorts (gnomAD); In silico analysis supports that this missense variant has a deleterious effect on protein structure/function; Has not been previously published as pathogenic or benign to our knowledge

CeGaT Center for Human Genetics Tuebingen
Classification: Uncertain significance. Last evaluated: 2022-06-01. Review status: criteria provided, single submitter. Criteria: CeGaT Center For Human Genetics Tuebingen Variant Classification Criteria Version 2. Collection method: clinical testing. Allele origin: germline. Affected: yes. Observed: 1 variant allele.
Comment: SPRED1: PM2